The following is an entry in ClinVar:

ClinVar aggregate classification (germline): Uncertain significance (1 of 4 stars; one submission).

Conditions:
Long QT syndrome (LQTS). Identifiers: MedGen C0023976, MeSH D008133, MONDO:0002442. Disease mechanism: loss of function. Inheritance: Various modes of inheritance.

Submission:

Labcorp Genetics (formerly Invitae), Labcorp
Classification: Uncertain significance for Long QT syndrome. Last evaluated: 2024-01-31. Review status: criteria provided, single submitter. Criteria: Invitae Variant Classification Sherloc (09022015). Collection method: clinical testing. Allele origin: unknown.
Comment: This variant is a gross deletion of the genomic region encompassing exon(s) 1-6 of the SNTA1 gene, which includes the initiator codon. This deletion extends beyond the assayed region for this gene and therefore may encompass additional genes. It is expected to result in an absent or disrupted protein product. However, the current clinical and genetic evidence is not sufficient to establish whether loss-of-function variants in SNTA1 cause disease. This variant has not been reported in the literature in individuals affected with SNTA1-related conditions. In summary, the available evidence is currently insufficient to determine the role of this variant in disease. Therefore, it has been classified as a Variant of Uncertain Significance.

NC_000020.10:g.(?_31997921)_(32031426_?)del

Gene: SNTA1 (syntrophin alpha 1; minus strand). Cytogenetic location: 20q11.21.
Variant type: Deletion.
Identifiers: ClinVar variation 3248227 (VCV003248227.1).